The following is an entry in ClinVar:

NC_000016.9:g.(?_148291)_(178264_?)dup

Gene: NPRL3 (NPR3 like, GATOR1 complex subunit; minus strand). Cytogenetic location: 16p13.3.
Variant type: Duplication.
Identifiers: ClinVar variation 2423611 (VCV002423611.4).

ClinVar aggregate classification (germline): Uncertain significance (1 of 4 stars; one submission).

Conditions:
Epilepsy, familial focal, with variable foci 3 (FFEVF3). Identifiers: MedGen C4310708, MONDO:0014925, OMIM 617118.

Submission:

Labcorp Genetics (formerly Invitae), Labcorp
Classification: Uncertain significance for Epilepsy, familial focal, with variable foci 3. Last evaluated: 2018-05-30. Review status: criteria provided, single submitter. Criteria: Invitae Variant Classification Sherloc (09022015). Collection method: clinical testing. Allele origin: germline.
Comment: This variant results in a copy number gain of the genomic region encompassing exons 4-8 and part of exon 9 of the NPRL3 gene. While the exact position of this variant cannot be determined from this data, sub-genic copy number gains are generally in tandem (PMID: 25640679). This variant would be expected to be in-frame, preserving the integrity of the reading frame. Similar variants have not been reported in the literature in individuals with NPRL3-related disease. In summary, the available evidence is currently insufficient to determine the role of this variant in disease. Therefore, it has been classified as a Variant of Uncertain Significance. Experimental studies and prediction algorithms are not available for this variant, and the functional significance of the duplicated region is currently unknown.

Literature cited by the submitters: PubMed 25640679.